The following is an entry in ClinVar:

NM_139215.3(TAF15):c.1314C>T (p.Ser438=)

Gene: TAF15 (TATA-box binding protein associated factor 15; plus strand). Cytogenetic location: 17q12.
Variant type: single nucleotide variant.
Coding change: c.1314C>T on transcript NM_139215.3 (MANE Select); coding-DNA position 1314, C replaced by T.
Protein change: p.Ser438=; no amino-acid change (serine 438 retained).
Molecular consequence: synonymous variant.
Genome position (GRCh38, 1-based): chr17:35,844,613, C>T. VCF-style: chr17-35844613-C-T. GRCh37 (hg19) VCF-style: chr17-34171617-C-T.
Other names: c.1305C>T, p.Ser435= (NM_003487.4).
Identifiers: ClinVar variation 758683 (VCV000758683.5), dbSNP rs139380403, ClinGen allele CA290041267.

ClinVar aggregate classification (germline): Likely benign. Review status: criteria provided, single submitter (1 of 4 stars). 2 submissions from 2 submitters: Likely benign (1). 1 of the submissions does not count toward it. Last evaluated 2018-12-19.

Conditions:
TAF15-related disorder. Also called: TAF15-related condition.

Allele frequency attached by ClinVar (database versions not stated): ESP Exome Variant Server 0.00008; gnomAD 0.00017 and 0.00023; gnomAD exomes 0.00022; 1000 Genomes Project 30x 0.00047; 1000 Genomes Project 0.00080.
gnomAD v4.1: 197 of 1,532,664 alleles (0.013%); highest among the groups gnomAD compares: East Asian, 0.15%; no homozygotes.

Submissions (2):

Labcorp Genetics (formerly Invitae), Labcorp
Classification: Likely benign. Last evaluated: 2018-12-19. Review status: criteria provided, single submitter. Criteria: Invitae Variant Classification Sherloc (09022015). Collection method: clinical testing. Allele origin: germline.

PreventionGenetics, part of Exact Sciences
Classification: Likely benign for TAF15-related condition. Last evaluated: 2023-08-02. Review status: no assertion criteria provided. Collection method: clinical testing. Allele origin: germline. Not counted in ClinVar's aggregate classification.
Comment: This variant is classified as likely benign based on ACMG/AMP sequence variant interpretation guidelines (Richards et al. 2015 PMID: 25741868, with internal and published modifications).